The following is an entry in ClinVar:

ClinVar aggregate classification (germline): Uncertain significance (1 of 4 stars; one submission).

Conditions:
Rubinstein-Taybi syndrome due to EP300 haploinsufficiency. Also called: RUBINSTEIN-TAYBI SYNDROME 2; EP300-Related Rubinstein-Taybi Syndrome. Identifiers: Orphanet 353284, Orphanet 783, MedGen C3150941, MONDO:0013364, OMIM 613684.

Submission:

Labcorp Genetics (formerly Invitae), Labcorp
Classification: Uncertain significance for Rubinstein-Taybi syndrome due to EP300 haploinsufficiency. Last evaluated: 2024-10-03. Review status: criteria provided, single submitter. Criteria: Invitae Variant Classification Sherloc (09022015). Collection method: clinical testing. Allele origin: germline.
Comment: This sequence change replaces glutamine, which is neutral and polar, with histidine, which is basic and polar, at codon 2192 of the EP300 protein (p.Gln2192His). This variant is not present in population databases (gnomAD no frequency). This variant has not been reported in the literature in individuals affected with EP300-related conditions. Invitae Evidence Modeling of protein sequence and biophysical properties (such as structural, functional, and spatial information, amino acid conservation, physicochemical variation, residue mobility, and thermodynamic stability) indicates that this missense variant is not expected to disrupt EP300 protein function with a negative predictive value of 80%. In summary, the available evidence is currently insufficient to determine the role of this variant in disease. Therefore, it has been classified as a Variant of Uncertain Significance.

NM_001429.4(EP300):c.6576G>C (p.Gln2192His)

Gene: EP300 (EP300 lysine acetyltransferase; plus strand). Cytogenetic location: 22q13.2.
Variant type: single nucleotide variant.
Coding change: c.6576G>C on transcript NM_001429.4 (MANE Select); coding-DNA position 6576, G replaced by C.
Protein change: p.Gln2192His; replaces glutamine 2192 with histidine.
Molecular consequence: missense variant.
Genome position (GRCh38, 1-based): chr22:41,178,287, G>C. VCF-style: chr22-41178287-G-C. GRCh37 (hg19) VCF-style: chr22-41574291-G-C.
Other names: c.6498G>C, p.Gln2166His (NM_001362843.2); short protein forms Q2166H, Q2192H.
Identifiers: ClinVar variation 3701433 (VCV003701433.2).
Genomic context (GRCh38, chr22:41,178,287, plus strand): 5'-CAACACCATGCCTTCACAATTCCGAGACATCTTGAGACGACAGCAAATGATGCAACAGCA[G>C]CAGCAACAGGGAGCAGGGCCAGGAATAGGCCCTGGAATGGCCAACCATAACCAGTTCCAG-3'
Protein context (NP_001420.2, residues 2182-2202): ILRRQQMMQQ[Gln2192His]QQQGAGPGIG